The following is an entry in ClinVar:

ClinVar aggregate classification (germline): Uncertain significance. Review status: criteria provided, multiple submitters, no conflicts (2 of 4 stars). 2 submissions from 2 submitters: Uncertain significance (2). Last evaluated 2024-08-31.

Conditions:
Congenital myasthenic syndrome 20. Also called: Myasthenic syndrome, congenital, 20, presynaptic. Identifiers: MedGen C4310694, MONDO:0014939, OMIM 617143.
Neuronopathy, distal hereditary motor, type 7A. Also called: Neuronopathy, distal hereditary motor, autosomal dominant 7; HARPER-YOUNG MYOPATHY; HMN VIIA; Neuronopathy, distal hereditary motor, type viia; NEURONOPATHY, DISTAL HEREDITARY MOTOR, HARDING TYPE VIIA; NEUROPATHY, DISTAL HEREDITARY MOTOR, HARDING TYPE VIIA. Identifiers: Orphanet 139589, MedGen C1834703, MONDO:0008024, OMIM 158580.
Inborn genetic diseases. Identifiers: MedGen C0950123, MeSH D030342.

Allele frequency attached by ClinVar (database versions not stated): gnomAD exomes below 0.00001; TOPMed 0.00001; gnomAD 0.00002.
gnomAD v4.1: 10 of 1,611,856 alleles (0.00062%); highest among the groups gnomAD compares: Admixed American, 0.0017%; no homozygotes.

Submissions (2):

Labcorp Genetics (formerly Invitae), Labcorp
Classification: Uncertain significance for Neuronopathy, distal hereditary motor, type 7A; Congenital myasthenic syndrome 20. Last evaluated: 2024-08-31. Review status: criteria provided, single submitter. Criteria: Invitae Variant Classification Sherloc (09022015). Collection method: clinical testing. Allele origin: germline.
Comment: This sequence change replaces glycine, which is neutral and non-polar, with arginine, which is basic and polar, at codon 64 of the SLC5A7 protein (p.Gly64Arg). This variant is not present in population databases (gnomAD no frequency). This variant has not been reported in the literature in individuals affected with SLC5A7-related conditions. ClinVar contains an entry for this variant (Variation ID: 521032). Invitae Evidence Modeling of protein sequence and biophysical properties (such as structural, functional, and spatial information, amino acid conservation, physicochemical variation, residue mobility, and thermodynamic stability) indicates that this missense variant is expected to disrupt SLC5A7 protein function with a positive predictive value of 80%. Algorithms developed to predict the effect of sequence changes on RNA splicing suggest that this variant may disrupt the consensus splice site. In summary, the available evidence is currently insufficient to determine the role of this variant in disease. Therefore, it has been classified as a Variant of Uncertain Significance.

Ambry Genetics
Classification: Uncertain significance for Inborn genetic diseases. Last evaluated: 2016-09-13. Review status: criteria provided, single submitter. Criteria: Ambry exome assertion method (8-5-2015). Collection method: clinical testing. Allele origin: germline. Affected: yes. Observed: 1 variant allele.

NM_021815.5(SLC5A7):c.190G>A (p.Gly64Arg)

Gene: SLC5A7 (solute carrier family 5 member 7; plus strand). Cytogenetic location: 2q12.3.
Variant type: single nucleotide variant.
Coding change: c.190G>A on transcript NM_021815.5 (MANE Select); coding-DNA position 190, G replaced by A.
Protein change: p.Gly64Arg; replaces glycine 64 with arginine.
Molecular consequence: missense variant. On other transcripts: 5 prime UTR variant (2).
Genome position (GRCh38, 1-based): chr2:107,992,117, G>A. VCF-style: chr2-107992117-G-A. GRCh37 (hg19) VCF-style: chr2-108608573-G-A.
Other names: c.190G>A, p.Gly64Arg (NM_001305005.3); c.-126G>A (NM_001305006.3); c.-515G>A (NM_001305007.3); short protein forms G64R.
Identifiers: ClinVar variation 521032 (VCV000521032.6), dbSNP rs998009546, ClinGen allele CA53409007.